The following is an entry in ClinVar:

NM_002470.4(MYH3):c.413A>G (p.Glu138Gly)

Gene: MYH3 (myosin heavy chain 3; minus strand). Cytogenetic location: 17p13.1.
Variant type: single nucleotide variant.
Coding change: c.413A>G on transcript NM_002470.4 (MANE Select); coding-DNA position 413, A replaced by G.
Protein change: p.Glu138Gly; replaces glutamic acid 138 with glycine.
Molecular consequence: missense variant.
Genome position (GRCh38, 1-based): chr17:10,651,604, T>C on the plus strand (A>G on the coding strand, the complement: MYH3 is on the minus strand). VCF-style: chr17-10651604-T-C. GRCh37 (hg19) VCF-style: chr17-10554921-T-C.
Other names: short protein forms E138G.
Identifiers: ClinVar variation 3665766 (VCV003665766.2).

ClinVar aggregate classification (germline): Uncertain significance (1 of 4 stars; one submission).

gnomAD v4.1: 57 of 1,613,892 alleles (0.0035%); highest among the groups gnomAD compares: Non-Finnish European, 0.0048%; no homozygotes.

Submission:

Labcorp Genetics (formerly Invitae), Labcorp
Classification: Uncertain significance. Last evaluated: 2025-08-16. Review status: criteria provided, single submitter. Criteria: Invitae Variant Classification Sherloc (09022015). Collection method: clinical testing. Allele origin: germline.
Comment: This sequence change replaces glutamic acid, which is acidic and polar, with glycine, which is neutral and non-polar, at codon 138 of the MYH3 protein (p.Glu138Gly). This variant is present in population databases (rs753874206, gnomAD 0.004%). This variant has not been reported in the literature in individuals affected with MYH3-related conditions. ClinVar contains an entry for this variant (Variation ID: 3665766). Invitae Evidence Modeling of protein sequence and biophysical properties (such as structural, functional, and spatial information, amino acid conservation, physicochemical variation, residue mobility, and thermodynamic stability) indicates that this missense variant is not expected to disrupt MYH3 protein function with a negative predictive value of 95%. In summary, the available evidence is currently insufficient to determine the role of this variant in disease. Therefore, it has been classified as a Variant of Uncertain Significance.